The following is an entry in ClinVar:

NC_000007.13:g.(?_6031594)_(6043699_?)dup

Gene: PMS2 (PMS1 homolog 2, mismatch repair system component; minus strand). Cytogenetic location: 7p22.1.
Variant type: Duplication.
Identifiers: ClinVar variation 1373150 (VCV001373150.4).

ClinVar aggregate classification (germline): Uncertain significance (1 of 4 stars; one submission).

Conditions:
Hereditary nonpolyposis colorectal neoplasms. Identifiers: MedGen C0009405, MeSH D003123.

Submission:

Labcorp Genetics (formerly Invitae), Labcorp
Classification: Uncertain significance for Hereditary nonpolyposis colorectal neoplasms. Last evaluated: 2020-12-09. Review status: criteria provided, single submitter. Criteria: Invitae Variant Classification Sherloc (09022015). Collection method: clinical testing. Allele origin: germline.
Comment: In summary, the available evidence is currently insufficient to determine the role of this variant in disease. Therefore, it has been classified as a Variant of Uncertain Significance. Experimental studies and prediction algorithms are not available or were not evaluated, and the functional significance of this variant is currently unknown. This variant has not been reported in the literature in individuals with PMS2-related conditions. This variant results in a copy number gain of the genomic region encompassing exon(s) 3-9 of the PMS2 gene. While the exact position of this variant cannot be determined from the data, sub-genic copy number gains are generally in tandem (PMID: 25640679). This variant is predicted to be in-frame, and likely preserves the integrity of the reading frame.

Literature cited by the submitters: PubMed 25640679.